The following is an entry in ClinVar:

NM_000557.5(GDF5):c.498dup (p.Ile167fs)

Gene: GDF5 (growth differentiation factor 5; minus strand). Cytogenetic location: 20q11.22.
Variant type: Duplication.
Coding change: c.498dup on transcript NM_000557.5 (MANE Select); coding-DNA position 498, one base duplicated (C; older notation c.498dupC).
Protein change: p.Ile167fs; shifts the reading frame from isoleucine 167.
Molecular consequence: frameshift variant.
Genome position (GRCh38, 1-based): chr20:35,437,431, G duplicated on the plus strand (C on the coding strand, the reverse complement: GDF5 is on the minus strand); the first of 6 consecutive G bases (chr20:35,437,431-35,437,436); duplicating any one gives the same sequence. VCF-style (leftmost placement, unchanged base first): chr20-35437430-T-TG. GRCh37 (hg19) VCF-style: chr20-34025210-T-TG.
Other names: c.498dup, p.Ile167fs (NM_001319138.2); short protein forms I167fs.
Identifiers: ClinVar variation 3723763 (VCV003723763.6).

ClinVar aggregate classification (germline): Pathogenic. Review status: criteria provided, multiple submitters, no conflicts (2 of 4 stars). 2 submissions from 2 submitters: Pathogenic (2). Last evaluated 2026-02-01.

Submissions (2):

CeGaT Center for Human Genetics Tuebingen
Classification: Pathogenic. Last evaluated: 2026-02-01. Review status: criteria provided, single submitter. Criteria: CeGaT Center For Human Genetics Tuebingen Variant Classification Criteria Version 2. Collection method: clinical testing. Allele origin: germline. Affected: yes. Observed: 2 variant alleles.
Comment: GDF5: PVS1, PM2, PP1, PS4:Supporting

Labcorp Genetics (formerly Invitae), Labcorp
Classification: Pathogenic. Last evaluated: 2024-09-17. Review status: criteria provided, single submitter. Criteria: Invitae Variant Classification Sherloc (09022015). Collection method: clinical testing. Allele origin: germline.
Comment: This sequence change creates a premature translational stop signal (p.Ile167Hisfs*18) in the GDF5 gene. It is expected to result in an absent or disrupted protein product. Loss-of-function variants in GDF5 are known to be pathogenic (PMID: 8589725, 9288091, 12121354, 12357473, 27577507). This variant is not present in population databases (gnomAD no frequency). This premature translational stop signal has been observed in individual(s) with brachydactyly (PMID: 15173244). It has also been observed to segregate with disease in related individuals. This variant is also known as CDMP-1 c.498insC. For these reasons, this variant has been classified as Pathogenic.

Literature cited by the submitters: PubMed 8589725 (cited by Labcorp Genetics (formerly Invitae), Labcorp); PubMed 9288091 (cited by Labcorp Genetics (formerly Invitae), Labcorp); PubMed 12121354 (cited by Labcorp Genetics (formerly Invitae), Labcorp); PubMed 12357473 (cited by Labcorp Genetics (formerly Invitae), Labcorp); PubMed 27577507 (cited by Labcorp Genetics (formerly Invitae), Labcorp); PubMed 15173244 (cited by Labcorp Genetics (formerly Invitae), Labcorp).